The following is an entry in ClinVar:

ClinVar aggregate classification (germline): Uncertain significance (1 of 4 stars; one submission).

Conditions:
Hereditary cancer-predisposing syndrome. Also called: Neoplastic Syndromes, Hereditary; Tumor predisposition; Hereditary Cancer Syndrome; Hereditary neoplastic syndrome. Identifiers: Orphanet 140162, MedGen C0027672, MeSH D009386, MONDO:0015356.

Submission:

Ambry Genetics
Classification: Uncertain significance for Hereditary cancer-predisposing syndrome. Last evaluated: 2024-11-09. Review status: criteria provided, single submitter. Criteria: Ambry Variant Classification Scheme 2023. Collection method: clinical testing. Allele origin: germline.
Comment: The p.S1148P variant (also known as c.3442T>C), located in coding exon 15 of the APC gene, results from a T to C substitution at nucleotide position 3442. The serine at codon 1148 is replaced by proline, an amino acid with similar properties. Missense alterations in APC are not a common cause of disease (Spier I et al. Genet Med. 2024 Feb;26(2):100992). In addition, in silico predictors for this gene do not accurately predict pathogenicity. Based on the available evidence, the clinical significance of this variant remains unclear.

NM_000038.6(APC):c.3442T>C (p.Ser1148Pro)

Gene: APC (APC regulator of Wnt signaling pathway; plus strand). Cytogenetic location: 5q22.2.
Variant type: single nucleotide variant.
Coding change: c.3442T>C on transcript NM_000038.6 (MANE Select); coding-DNA position 3442, T replaced by C.
Protein change: p.Ser1148Pro; replaces serine 1148 with proline.
Molecular consequence: missense variant. On other transcripts: non-coding transcript variant (2).
Genome position (GRCh38, 1-based): chr5:112,839,036, T>C. VCF-style: chr5-112839036-T-C. GRCh37 (hg19) VCF-style: chr5-112174733-T-C.
Other names: c.3442T>C, p.Ser1148Pro (NM_001127510.3, NM_001354895.2, NM_001407450.1); c.3388T>C, p.Ser1130Pro (NM_001127511.3); c.3496T>C, p.Ser1166Pro (NM_001354896.2, NM_001407447.1, NM_001407448.1 and 1 more transcripts); c.3472T>C, p.Ser1158Pro (NM_001354897.2); c.3367T>C, p.Ser1123Pro (NM_001354898.2); c.3358T>C, p.Ser1120Pro (NM_001354899.2); c.3319T>C, p.Ser1107Pro (NM_001354900.2); c.3265T>C, p.Ser1089Pro (NM_001354901.2, NM_001407453.1); and 11 more; short protein forms S1047P, S1089P, S764P, S865P, S1057P, S1107P, S1148P, S1158P.
Identifiers: ClinVar variation 3411854 (VCV003411854.1).